The following is an entry in ClinVar:

NM_000388.4(CASR):c.1316C>A (p.Pro439His)

Gene: CASR (calcium sensing receptor; plus strand). Cytogenetic location: 3q21.1.
Variant type: single nucleotide variant.
Coding change: c.1316C>A on transcript NM_000388.4 (MANE Select); coding-DNA position 1316, C replaced by A.
Protein change: p.Pro439His; replaces proline 439 with histidine.
Molecular consequence: missense variant.
Genome position (GRCh38, 1-based): chr3:122,262,351, C>A. VCF-style: chr3-122262351-C-A. GRCh37 (hg19) VCF-style: chr3-121981198-C-A.
Other names: c.1316C>A, p.Pro439His (NM_001178065.2); short protein forms P439H.
Identifiers: ClinVar variation 940349 (VCV000940349.10), dbSNP rs2074638314, ClinGen allele CA354153081.

ClinVar aggregate classification (germline): Uncertain significance (1 of 4 stars; one submission).

Conditions:
Familial hypocalciuric hypercalcemia (FHH). Also called: Familial benign hypercalcemia. Identifiers: Orphanet 405, MedGen C1809471, MONDO:0018458.
Autosomal dominant hypocalcemia 1 (HYPOC1). Also called: HYPOCALCEMIA, FAMILIAL. Identifiers: MedGen C3715128, MONDO:0011013, OMIM 601198.

Submission:

Labcorp Genetics (formerly Invitae), Labcorp
Classification: Uncertain significance for Familial hypocalciuric hypercalcemia; Autosomal dominant hypocalcemia 1. Last evaluated: 2019-08-12. Review status: criteria provided, single submitter. Criteria: Invitae Variant Classification Sherloc (09022015). Collection method: clinical testing. Allele origin: germline.
Comment: Algorithms developed to predict the effect of missense changes on protein structure and function (SIFT, PolyPhen-2, Align-GVGD) all suggest that this variant is likely to be disruptive, but these predictions have not been confirmed by published functional studies and their clinical significance is uncertain. In summary, the available evidence is currently insufficient to determine the role of this variant in disease. Therefore, it has been classified as a Variant of Uncertain Significance. This variant has not been reported in the literature in individuals with CASR-related conditions. This sequence change replaces proline with histidine at codon 439 of the CASR protein (p.Pro439His). The proline residue is highly conserved and there is a moderate physicochemical difference between proline and histidine. This variant is not present in population databases (ExAC no frequency).